The following is an entry in ClinVar:

ClinVar aggregate classification (germline): Uncertain significance. Review status: criteria provided, multiple submitters, no conflicts (2 of 4 stars). 4 submissions from 4 submitters: Uncertain significance (3). 1 of the submissions does not count toward it. Last evaluated 2024-11-05.

Conditions:
Diabetes mellitus, transient neonatal, 2 (TNDM2). Identifiers: Orphanet 99886, MedGen C1835887, MONDO:0012480, OMIM 610374. Disease mechanism: loss of function.
Type 2 diabetes mellitus. Also called: Type II diabetes mellitus. Identifiers: MedGen C0011860, MeSH D003924, MONDO:0005148, OMIM 125853, HP:0005978.
Diabetes mellitus, permanent neonatal 3. Also called: ABCC8-Related Permanent Neonatal Diabetes Mellitus. Identifiers: MedGen C5394303, MONDO:0030088, OMIM 618857.
Hyperinsulinemic hypoglycemia, familial, 1 (HHF1). Also called: HYPERINSULINISM, FAMILIAL, WITH PANCREATIC NESIDIOBLASTOSIS; HYPOGLYCEMIA, HYPERINSULINEMIC, OF INFANCY; Persistent hyperinsulinemic hypoglycemia of infancy; Persistent Hyperinsulinemia Hypoglycemia of Infancy; NESIDIOBLASTOSIS OF PANCREAS. Identifiers: Orphanet 276575, Orphanet 276598, MedGen C2931832, MONDO:0009734, OMIM 256450.
Leucine-induced hypoglycemia (LIH). Also called: LEUCINE-SENSITIVE HYPOGLYCEMIA OF INFANCY. Identifiers: MedGen C0271714, MONDO:0009415, OMIM 240800.
ABCC8-related disorder.
Hereditary hyperinsulinism.

Allele frequency attached by ClinVar (database versions not stated): gnomAD 0.00004; TOPMed 0.00004.
gnomAD v4.1: 13 of 1,562,696 alleles (0.00083%); highest among the groups gnomAD compares: African/African-American, 0.0083%; no homozygotes.

Submissions (4):

Labcorp Genetics (formerly Invitae), Labcorp
Classification: Uncertain significance. Last evaluated: 2024-11-05. Review status: criteria provided, single submitter. Criteria: Invitae Variant Classification Sherloc (09022015). Collection method: clinical testing. Allele origin: germline.
Comment: This sequence change replaces proline, which is neutral and non-polar, with threonine, which is neutral and polar, at codon 2 of the ABCC8 protein (p.Pro2Thr). This variant is present in population databases (no rsID available, gnomAD 0.01%). This variant has not been reported in the literature in individuals affected with ABCC8-related conditions. ClinVar contains an entry for this variant (Variation ID: 992071). Invitae Evidence Modeling of protein sequence and biophysical properties (such as structural, functional, and spatial information, amino acid conservation, physicochemical variation, residue mobility, and thermodynamic stability) indicates that this missense variant is not expected to disrupt ABCC8 protein function with a negative predictive value of 95%. Algorithms developed to predict the effect of sequence changes on RNA splicing suggest that this variant may create or strengthen a splice site. In summary, the available evidence is currently insufficient to determine the role of this variant in disease. Therefore, it has been classified as a Variant of Uncertain Significance.

PreventionGenetics, part of Exact Sciences
Classification: Uncertain significance for ABCC8-related condition. Last evaluated: 2022-12-20. Review status: criteria provided, single submitter. Criteria: ACMG Guidelines, 2015. Collection method: clinical testing. Allele origin: germline.
Comment: The ABCC8 c.4C>A variant is predicted to result in the amino acid substitution p.Pro2Thr. To our knowledge, this variant has not been reported in the literature. This variant is reported in 0.012% of alleles in individuals of African descent in gnomAD. At this time, the clinical significance of this variant is uncertain due to the absence of conclusive functional and genetic evidence.

Fulgent Genetics
Classification: Uncertain significance for Type 2 diabetes mellitus; Leucine-induced hypoglycemia; Hyperinsulinemic hypoglycemia, familial, 1; Diabetes mellitus, transient neonatal, 2; Diabetes mellitus, permanent neonatal 3. Last evaluated: 2021-07-08. Review status: criteria provided, single submitter. Criteria: ACMG Guidelines, 2015. Collection method: clinical testing. Allele origin: unknown.

Natera, Inc.
Classification: Uncertain significance for Hereditary hyperinsulinism. Last evaluated: 2020-04-10. Review status: no assertion criteria provided. Collection method: clinical testing. Allele origin: germline. Not counted in ClinVar's aggregate classification.

NM_000352.6(ABCC8):c.4C>A (p.Pro2Thr)

Gene: ABCC8 (ATP binding cassette subfamily C member 8; minus strand). Cytogenetic location: 11p15.1.
Variant type: single nucleotide variant.
Coding change: c.4C>A on transcript NM_000352.6 (MANE Select); coding-DNA position 4, C replaced by A.
Protein change: p.Pro2Thr; replaces proline 2 with threonine.
Molecular consequence: missense variant. On other transcripts: non-coding transcript variant (1).
Genome position (GRCh38, 1-based): chr11:17,476,773, G>T on the plus strand (C>A on the coding strand, the complement: ABCC8 is on the minus strand). VCF-style: chr11-17476773-G-T. GRCh37 (hg19) VCF-style: chr11-17498320-G-T.
Other names: c.4C>A, p.Pro2Thr (NM_001287174.3, NM_001351295.2, NM_001351296.2 and 1 more transcripts); c.4C>A (NM_000352.5, NM_000352.4); short protein forms P2T.
Identifiers: ClinVar variation 992071 (VCV000992071.5), dbSNP rs756552692, ClinGen allele CA379790485.